The following is an entry in ClinVar:

NM_001377.3(DYNC2H1):c.3736G>A (p.Asp1246Asn)

Gene: DYNC2H1 (dynein cytoplasmic 2 heavy chain 1; plus strand). Cytogenetic location: 11q22.3.
Variant type: single nucleotide variant.
Coding change: c.3736G>A on transcript NM_001377.3 (MANE Select); coding-DNA position 3736, G replaced by A.
Protein change: p.Asp1246Asn; replaces aspartic acid 1246 with asparagine.
Molecular consequence: missense variant.
Genome position (GRCh38, 1-based): chr11:103,155,493, G>A. VCF-style: chr11-103155493-G-A. GRCh37 (hg19) VCF-style: chr11-103026222-G-A.
Other names: c.3736G>A, p.Asp1246Asn (NM_001080463.2); short protein forms D1246N.
Identifiers: ClinVar variation 2363738 (VCV002363738.3), dbSNP rs751373868, ClinGen allele CA6253381.
Genomic context (GRCh38, chr11:103,155,493, plus strand): 5'-GAGAAACTACTGTTTGGTGATTTGCTCAGAGTAGCTGATACAATTGTAGCCAAAGCTGCC[G>A]ACCTTAAAGTATGAATCACTTTTATAAATATCCCATAAGTCTGGCCTTTTTTAATATACA-3'
Protein context (NP_001368.2, residues 1236-1256): VADTIVAKAA[Asp1246Asn]LKDLNSRAQG

ClinVar aggregate classification (germline): Uncertain significance. Review status: criteria provided, multiple submitters, no conflicts (2 of 4 stars). 2 submissions from 2 submitters: Uncertain significance (2). Last evaluated 2026-06-25.

Conditions:
Inborn genetic diseases. Identifiers: MedGen C0950123, MeSH D030342.
DYNC2H1-related disorder. Also called: DYNC2H1-related disorders; DYNC2H1-related condition. Identifiers: MedGen CN378770.

Allele frequency attached by ClinVar (database versions not stated): ExAC 0.00001; gnomAD exomes 0.00001.
gnomAD v4.1: 14 of 1,606,386 alleles (0.00087%); highest among the groups gnomAD compares: East Asian, 0.018%; no homozygotes.

Submissions (2):

PreventionGenetics, part of Exact Sciences
Classification: Uncertain significance for DYNC2H1-related condition. Last evaluated: 2026-06-25. Review status: criteria provided, single submitter. Criteria: ACMG Guidelines, 2015. Collection method: clinical testing. Allele origin: germline.
Comment: The DYNC2H1 c.3736G>A variant is predicted to result in the amino acid substitution p.Asp1246Asn. To our knowledge, this variant has not been reported in the literature. This variant is reported in 0.011% of alleles in individuals of East Asian descent in gnomAD. At this time, the clinical significance of this variant is uncertain due to the absence of conclusive functional and genetic evidence.

Ambry Genetics
Classification: Uncertain significance for Inborn genetic diseases. Last evaluated: 2022-06-21. Review status: criteria provided, single submitter. Criteria: Ambry Variant Classification Scheme 2023. Collection method: clinical testing. Allele origin: germline.